The following is an entry in ClinVar:

NM_004612.4(TGFBR1):c.14T>G (p.Val5Gly)

Genes: TGFBR1 (transforming growth factor beta receptor 1; plus strand), LOC130002223 (ATAC-STARR-seq lymphoblastoid silent region 20124; plus strand). Cytogenetic location: 9q22.33.
Variant type: single nucleotide variant.
Coding change: c.14T>G on transcript NM_004612.4 (MANE Select); coding-DNA position 14, T replaced by G.
Protein change: p.Val5Gly; replaces valine 5 with glycine.
Molecular consequence: missense variant.
Genome position (GRCh38, 1-based): chr9:99,105,219, T>G. VCF-style: chr9-99105219-T-G. GRCh37 (hg19) VCF-style: chr9-101867501-T-G.
Other names: c.14T>G, p.Val5Gly (NM_001130916.3, NM_001306210.2, NM_001407416.1 and 5 more transcripts); c.-330T>G (NM_001407420.1, NM_001407429.1); c.-299T>G (NM_001407422.1, NM_001407426.1); c.-254T>G (NM_001407428.1); short protein forms V5G.
Identifiers: ClinVar variation 2235730 (VCV002235730.3), dbSNP rs1826370291, ClinGen allele CA374223486.

ClinVar aggregate classification (germline): Uncertain significance (1 of 4 stars; one submission).

Conditions:
Familial thoracic aortic aneurysm and aortic dissection (TAAD). Also called: Thoracic aortic aneurysms and dissections. Identifiers: Orphanet 91387, MedGen C4707243, MONDO:0019625.

Submission:

Ambry Genetics
Classification: Uncertain significance for Familial thoracic aortic aneurysm and aortic dissection. Last evaluated: 2026-05-14. Review status: criteria provided, single submitter. Criteria: Ambry Variant Classification Scheme 2023. Collection method: clinical testing. Allele origin: germline.
Comment: The p.V5G variant (also known as c.14T>G), located in coding exon 1 of the TGFBR1 gene, results from a T to G substitution at nucleotide position 14. The valine at codon 5 is replaced by glycine, an amino acid with dissimilar properties. This amino acid position is conserved. In addition, this alteration is predicted to be tolerated by in silico analysis. Based on the available evidence, the clinical significance of this variant remains unclear.